The following is an entry in ClinVar:

NM_020693.4(DSCAML1):c.1264G>A (p.Gly422Arg)

Gene: DSCAML1 (DS cell adhesion molecule like 1; minus strand). Cytogenetic location: 11q23.3.
Variant type: single nucleotide variant.
Coding change: c.1264G>A on transcript NM_020693.4 (MANE Select); coding-DNA position 1264, G replaced by A.
Protein change: p.Gly422Arg; replaces glycine 422 with arginine.
Molecular consequence: missense variant.
Genome position (GRCh38, 1-based): chr11:117,518,712, C>T on the plus strand (G>A on the coding strand, the complement: DSCAML1 is on the minus strand). VCF-style: chr11-117518712-C-T. GRCh37 (hg19) VCF-style: chr11-117389427-C-T.
Other names: c.1264G>A, p.Gly422Arg (NM_001367904.1); c.856G>A, p.Gly286Arg (NM_001367905.1); short protein forms G286R, G422R.
Identifiers: ClinVar variation 1908811 (VCV001908811.5), dbSNP rs373188125, ClinGen allele CA6297310.
Genomic context (GRCh38, chr11:117,518,712, plus strand): 5'-CCCAGGTGACCGTGGGGGGCGGGGCGCCCTTGGCCGCACACATCAGTGAGAACTGCTCCC[C>T]GGGGTTGACCACCTTCTCGCTGAAGGACGAGACGATGCGGGGCGTGCCATCTGCAGGGAG-3'
Protein context (NP_065744.3, residues 412-432): SSFSEKVVNP[Gly422Arg]EQFSLMCAAK

ClinVar aggregate classification (germline): Uncertain significance (1 of 4 stars; one submission).

Allele frequency attached by ClinVar (database versions not stated): gnomAD 0.00004; ESP Exome Variant Server 0.00008.
gnomAD v4.1: 71 of 1,612,934 alleles (0.0044%); highest among the groups gnomAD compares: East Asian, 0.011%; no homozygotes.

Submission:

Labcorp Genetics (formerly Invitae), Labcorp
Classification: Uncertain significance. Last evaluated: 2024-10-24. Review status: criteria provided, single submitter. Criteria: Invitae Variant Classification Sherloc (09022015). Collection method: clinical testing. Allele origin: germline.
Comment: This sequence change replaces glycine, which is neutral and non-polar, with arginine, which is basic and polar, at codon 482 of the DSCAML1 protein (p.Gly482Arg). This variant is present in population databases (rs373188125, gnomAD 0.008%). This variant has not been reported in the literature in individuals affected with DSCAML1-related conditions. ClinVar contains an entry for this variant (Variation ID: 1908811). An algorithm developed to predict the effect of missense changes on protein structure and function (PolyPhen-2) suggests that this variant is likely to be disruptive. In summary, the available evidence is currently insufficient to determine the role of this variant in disease. Therefore, it has been classified as a Variant of Uncertain Significance.